The following is an entry in ClinVar:

NM_000890.5(KCNJ5):c.170_171delinsCC (p.Ser57Thr)

Gene: KCNJ5 (potassium inwardly rectifying channel subfamily J member 5; plus strand). Cytogenetic location: 11q24.3.
Variant type: Indel.
Coding change: c.170_171delinsCC on transcript NM_000890.5 (MANE Select); coding-DNA positions 170 to 171, GT replaced by CC.
Protein change: p.Ser57Thr; replaces serine 57 with threonine.
Molecular consequence: missense variant.
Genome position (GRCh38, 1-based): chr11:128,911,443-128,911,444, GT replaced by CC. VCF-style: chr11-128911443-GT-CC. GRCh37 (hg19) VCF-style: chr11-128781338-GT-CC.
Other names: c.170_171delinsCC, p.Ser57Thr (NM_001354169.2); short protein forms S57T.
Identifiers: ClinVar variation 4740859 (VCV004740859.1).
Genomic context (GRCh38, chr11:128,911,443, plus strand): 5'-CAGACCGTACGCGCCTGCTGGCCGAGGGCAAGAAGCCACGCCAGCGCTACATGGAGAAGA[GT>CC]GGCAAGTGCAACGTGCACCACGGCAACGTCCAGGAGACCTACCGGTACCTGAGTGACCTC-3'
Protein context (NP_000881.3, residues 47-67): KKPRQRYMEK[Ser57Thr]GKCNVHHGNV

ClinVar aggregate classification (germline): Uncertain significance (1 of 4 stars; one submission).

Conditions:
Long QT syndrome (LQTS). Identifiers: MedGen C0023976, MeSH D008133, MONDO:0002442. Disease mechanism: loss of function. Inheritance: Various modes of inheritance.

Submission:

Labcorp Genetics (formerly Invitae), Labcorp
Classification: Uncertain significance for Long QT syndrome. Last evaluated: 2025-05-06. Review status: criteria provided, single submitter. Criteria: Invitae Variant Classification Sherloc (09022015). Collection method: clinical testing. Allele origin: germline.
Comment: This sequence change replaces serine, which is neutral and polar, with threonine, which is neutral and polar, at codon 57 of the KCNJ5 protein (p.Ser57Thr). The frequency data for this variant in the population databases is considered unreliable, as metrics indicate poor data quality at this position in the gnomAD database. This variant has not been reported in the literature in individuals affected with KCNJ5-related conditions. An algorithm developed to predict the effect of missense changes on protein structure and function (PolyPhen-2) suggests that this variant is likely to be tolerated. In summary, the available evidence is currently insufficient to determine the role of this variant in disease. Therefore, it has been classified as a Variant of Uncertain Significance.